The following is an entry in ClinVar:

NM_004960.4(FUS):c.1564A>G (p.Arg522Gly)

Gene: FUS (FUS RNA binding protein; plus strand). Cytogenetic location: 16p11.2.
Variant type: single nucleotide variant.
Coding change: c.1564A>G on transcript NM_004960.4 (MANE Select); coding-DNA position 1564, A replaced by G.
Protein change: p.Arg522Gly; replaces arginine 522 with glycine.
Molecular consequence: missense variant. On other transcripts: non-coding transcript variant (1).
Genome position (GRCh38, 1-based): chr16:31,191,421, A>G. VCF-style: chr16-31191421-A-G. GRCh37 (hg19) VCF-style: chr16-31202742-A-G.
Other names: c.1552A>G, p.Arg518Gly (NM_001170937.1); c.1561A>G, p.Arg521Gly (NM_001170634.1); short protein forms R522G, R518G, R521G.
Identifiers: ClinVar variation 540279 (VCV000540279.9), dbSNP rs1555509693, ClinGen allele CA395677460.

ClinVar aggregate classification (germline): Likely pathogenic. Review status: criteria provided, single submitter (1 of 4 stars). 2 submissions from 2 submitters: Likely pathogenic (1). 1 of the submissions does not count toward it. Last evaluated 2026-01-05.

Conditions:
Amyotrophic lateral sclerosis type 6. Also called: Amyotrophic lateral sclerosis 6, with or without frontotemporal dementia; FUS-Related Amyotrophic Laterial Sclerosis; AMYOTROPHIC LATERAL SCLEROSIS 6 WITHOUT FRONTOTEMPORAL DEMENTIA. Identifiers: Orphanet 275872, Orphanet 803, MedGen C2931786, MONDO:0011951, OMIM 608030.
Tremor, hereditary essential, 4 (ETM4). Identifiers: MedGen C3539195, MONDO:0013888, OMIM 614782.

Submissions (2):

Labcorp Genetics (formerly Invitae), Labcorp
Classification: Likely pathogenic for Tremor, hereditary essential, 4; Amyotrophic lateral sclerosis type 6. Last evaluated: 2026-01-05. Review status: criteria provided, single submitter. Criteria: Invitae Variant Classification Sherloc (09022015). Collection method: clinical testing. Allele origin: germline.
Comment: This sequence change replaces arginine, which is basic and polar, with glycine, which is neutral and non-polar, at codon 522 of the FUS protein (p.Arg522Gly). This variant is not present in population databases (gnomAD no frequency). This missense change has been observed in individuals with clinical features of amyotrophic lateral sclerosis (PMID: 19251627; internal data). ClinVar contains an entry for this variant (Variation ID: 540279). An algorithm developed to predict the effect of missense changes on protein structure and function (PolyPhen-2) suggests that this variant is likely to be disruptive. Experimental studies have shown that this missense change affects FUS function (PMID: 20606625, 21949354, 24204307, 24280224, 25289647). In summary, the currently available evidence indicates that the variant is pathogenic, but additional data are needed to prove that conclusively. Therefore, this variant has been classified as Likely Pathogenic.

Institute of Human Genetics, Cologne University
Classification: Pathogenic for Amyotrophic lateral sclerosis type 6. Last evaluated: 2018-04-25. Review status: no assertion criteria provided. Collection method: clinical testing. Allele origin: unknown. Affected: yes. Not counted in ClinVar's aggregate classification.

Literature cited by the submitters: PubMed 19251627 (cited by Labcorp Genetics (formerly Invitae), Labcorp); PubMed 20606625 (cited by Labcorp Genetics (formerly Invitae), Labcorp); PubMed 21949354 (cited by Labcorp Genetics (formerly Invitae), Labcorp); PubMed 24204307 (cited by Labcorp Genetics (formerly Invitae), Labcorp); PubMed 24280224 (cited by Labcorp Genetics (formerly Invitae), Labcorp); PubMed 25289647 (cited by Labcorp Genetics (formerly Invitae), Labcorp).